The following is an entry in ClinVar:

ClinVar aggregate classification (germline): Likely benign. Review status: criteria provided, single submitter (1 of 4 stars). 2 submissions from 2 submitters: Likely benign (1). 1 of the submissions does not count toward it. Last evaluated 2022-10-07.

Conditions:
GRIN2B-related disorder. Also called: GRIN2B-related condition.
Developmental and epileptic encephalopathy, 27 (DEE27). Also called: GRIN2B-Related Neurodevelopmental Disorder; Epileptic encephalopathy, early infantile, 27. Identifiers: Orphanet 3451, MedGen C4015316, MONDO:0014505, OMIM 616139.
Intellectual developmental disorder, autosomal dominant 6, with or without seizures. Also called: Intellectual disability, autosomal dominant 6; GRIN2B-related developmental delay, intellectual disability and autism spectrum disorder. Identifiers: Orphanet 589547, MedGen C3151411, MONDO:0013509, OMIM 613970.

Allele frequency attached by ClinVar (database versions not stated): TOPMed below 0.00001.
gnomAD v4.1: 1 of 1,614,226 alleles (0.000062%); highest among the groups gnomAD compares: Non-Finnish European, 0.000085%; no homozygotes.

Submissions (2):

Labcorp Genetics (formerly Invitae), Labcorp
Classification: Likely benign for Developmental and epileptic encephalopathy, 27; Intellectual developmental disorder, autosomal dominant 6, with or without seizures. Last evaluated: 2022-10-07. Review status: criteria provided, single submitter. Criteria: Invitae Variant Classification Sherloc (09022015). Collection method: clinical testing. Allele origin: germline.

PreventionGenetics, part of Exact Sciences
Classification: Likely benign for GRIN2B-related condition. Last evaluated: 2023-11-30. Review status: no assertion criteria provided. Collection method: clinical testing. Allele origin: germline. Not counted in ClinVar's aggregate classification.
Comment: This variant is classified as likely benign based on ACMG/AMP sequence variant interpretation guidelines (Richards et al. 2015 PMID: 25741868, with internal and published modifications).

NM_000834.5(GRIN2B):c.3201C>A (p.Thr1067=)

Gene: GRIN2B (glutamate ionotropic receptor NMDA type subunit 2B; minus strand). Cytogenetic location: 12p13.1.
Variant type: single nucleotide variant.
Coding change: c.3201C>A on transcript NM_000834.5 (MANE Select); coding-DNA position 3201, C replaced by A.
Protein change: p.Thr1067=; no amino-acid change (threonine 1067 retained).
Molecular consequence: synonymous variant.
Genome position (GRCh38, 1-based): chr12:13,564,037, G>T on the plus strand (C>A on the coding strand, the complement: GRIN2B is on the minus strand). VCF-style: chr12-13564037-G-T. GRCh37 (hg19) VCF-style: chr12-13716971-G-T.
Other names: c.3201C>A, p.Thr1067= (NM_001413992.1); c.3201C>A (NM_000834.3).
Identifiers: ClinVar variation 1914509 (VCV001914509.7), dbSNP rs929166123, ClinGen allele CA233133980.
Genomic context (GRCh38, chr12:13,564,037, plus strand): 5'-GTCCTTATATTGCTGCTTACGCCTCTTGGCGGCATTGCCCTCGATGTTCCCATAGGTGAC[G>T]GTGTGGGTTGAGATGTCAGAGACATCGGAGCGGATCAAGTCGTCGTGGCCACTGTAGCGG-3'
Protein context (NP_000825.2, residues 1057-1077): RSDVSDISTH[Thr1067=]VTYGNIEGNA